The following is an entry in ClinVar:

NM_006904.7(PRKDC):c.8201G>T (p.Arg2734Met)

Gene: PRKDC (protein kinase, DNA-activated, catalytic subunit; minus strand). Cytogenetic location: 8q11.21.
Variant type: single nucleotide variant.
Coding change: c.8201G>T on transcript NM_006904.7 (MANE Select); coding-DNA position 8201, G replaced by T.
Protein change: p.Arg2734Met; replaces arginine 2734 with methionine.
Molecular consequence: missense variant.
Genome position (GRCh38, 1-based): chr8:47,831,878, C>A on the plus strand (G>T on the coding strand, the complement: PRKDC is on the minus strand). VCF-style: chr8-47831878-C-A. GRCh37 (hg19) VCF-style: chr8-48744439-C-A.
Other names: c.8201G>T, p.Arg2734Met (NM_001081640.2); short protein forms R2734M.
Identifiers: ClinVar variation 3225922 (VCV003225922.1), dbSNP rs2087886635, ClinGen allele CA371147721.

ClinVar aggregate classification (germline): Uncertain significance (1 of 4 stars; one submission).

Submission:

Ambry Genetics
Classification: Uncertain significance. Last evaluated: 2024-02-06. Review status: criteria provided, single submitter. Criteria: Ambry Variant Classification Scheme 2023. Collection method: clinical testing. Allele origin: germline.
Comment: The p.R2734M variant (also known as c.8201G>T), located in coding exon 60 of the PRKDC gene, results from a G to T substitution at nucleotide position 8201. The arginine at codon 2734 is replaced by methionine, an amino acid with similar properties. This amino acid position is conserved. In addition, this alteration is predicted to be tolerated by in silico analysis. Based on the available evidence, the clinical significance of this alteration remains unclear.